The following is an entry in ClinVar:

NM_013296.5(GPSM2):c.*211G>A

Genes: CLCC1 (chloride channel CLIC like 1; minus strand), GPSM2 (G protein signaling modulator 2; plus strand). Cytogenetic location: 1p13.3.
Variant type: single nucleotide variant.
Coding change: c.*211G>A on transcript NM_013296.5 (MANE Select); 211 bases downstream of the stop codon, G replaced by A.
Molecular consequence: 3 prime UTR variant. On other transcripts: non-coding transcript variant (1), intron variant (1).
Genome position (GRCh38, 1-based): chr1:108,930,151, G>A. VCF-style: chr1-108930151-G-A. GRCh37 (hg19) VCF-style: chr1-109472773-G-A.
Other names: c.*2396C>T (NM_001048210.3, NM_001278202.2, NM_001278203.1 and 10 more transcripts); c.*2401C>T (NM_001377459.1, NM_001377460.1, NM_001377462.1 and 1 more transcripts); c.*211G>A (NM_001321038.2); c.*35+176G>A (NM_001321039.3).
Identifiers: ClinVar variation 291711 (VCV000291711.8), dbSNP rs1051868, ClinGen allele CA10607438.

ClinVar aggregate classification (germline): Benign. Review status: criteria provided, multiple submitters, no conflicts (2 of 4 stars). 3 submissions from 3 submitters: Benign (3). Last evaluated 2018-06-14.

Conditions:
Chudley-McCullough syndrome (CMCS). Also called: Deafness, autosomal recessive 82; DEAFNESS, SENSORINEURAL, WITH PARTIAL AGENESIS OF THE CORPUS CALLOSUM AND ARACHNOID CYSTS. Identifiers: Orphanet 314597, MedGen C1858695, MONDO:0011411, OMIM 604213.

Allele frequency attached by ClinVar (database versions not stated): 1000 Genomes Project 0.36821; gnomAD exomes 0.37035; 1000 Genomes Project 30x 0.36711; gnomAD 0.36942 and 0.37119; TOPMed 0.37899.
gnomAD v4.1: 199,526 of 538,930 alleles (37%); highest among the groups gnomAD compares: Admixed American, 41%; 37,494 homozygotes.

Submissions (3):

GeneDx
Classification: Benign. Last evaluated: 2018-06-14. Review status: criteria provided, single submitter. Criteria: GeneDx Variant Classification Process June 2021. Collection method: clinical testing. Allele origin: germline. Affected: yes.

Illumina Laboratory Services, Illumina
Classification: Benign for Chudley-McCullough syndrome. Last evaluated: 2018-01-12. Review status: criteria provided, single submitter. Criteria: ICSL Variant Classification Criteria 13 December 2019. Collection method: clinical testing. Allele origin: germline.
Comment: This variant was observed in the ICSL laboratory as part of a predisposition screen in an ostensibly healthy population. It had not been previously curated by ICSL or reported in the Human Gene Mutation Database (HGMD: prior to June 1st, 2018), and was therefore a candidate for classification through an automated scoring system. Utilizing variant allele frequency, disease prevalence and penetrance estimates, and inheritance mode, an automated score was calculated to assess if this variant is too frequent to cause the disease. Based on the score and internal cut-off values, a variant classified as benign is not then subjected to further curation. The score for this variant resulted in a classification of benign for this disease.

Breakthrough Genomics
Classification: Benign. Review status: criteria provided, single submitter. Criteria: ACMG Guidelines, 2015. Collection method: not provided. Allele origin: germline. Inheritance: Autosomal recessive inheritance. Affected: yes.